The following is an entry in ClinVar:

NM_001166108.2(PALLD):c.1978_1979delinsGC (p.Lys660Ala)

Gene: PALLD (palladin, cytoskeletal associated protein; plus strand). Cytogenetic location: 4q32.3.
Variant type: Indel.
Coding change: c.1978_1979delinsGC on transcript NM_001166108.2 (MANE Select); coding-DNA positions 1978 to 1979, AA replaced by GC.
Protein change: p.Lys660Ala; replaces lysine 660 with alanine.
Molecular consequence: missense variant. On other transcripts: 5 prime UTR variant (4).
Genome position (GRCh38, 1-based): chr4:168,890,935-168,890,936, AA replaced by GC. VCF-style: chr4-168890935-AA-GC. GRCh37 (hg19) VCF-style: chr4-169812086-AA-GC.
Other names: c.832_833delinsGC, p.Lys278Ala (NM_001166109.2); c.517_518delinsGC, p.Lys173Ala (NM_001166110.2); c.-144_-143delinsGC (NM_001367567.1, NM_001367568.1, NM_001367569.1 and 1 more transcripts); c.1978_1979delinsGC, p.Lys660Ala (NM_016081.4); short protein forms K660A, K173A, K278A.
Identifiers: ClinVar variation 2829948 (VCV002829948.3), dbSNP rs2533586570, ClinGen allele CA2739270345.

ClinVar aggregate classification (germline): Uncertain significance (1 of 4 stars; one submission).

Conditions:
Pancreatic adenocarcinoma. Identifiers: MedGen C0281361, MONDO:0006047, HP:0006725.

Submission:

Labcorp Genetics (formerly Invitae), Labcorp
Classification: Uncertain significance for Pancreatic adenocarcinoma. Last evaluated: 2023-01-18. Review status: criteria provided, single submitter. Criteria: Invitae Variant Classification Sherloc (09022015). Collection method: clinical testing. Allele origin: germline.
Comment: This sequence change replaces lysine, which is basic and polar, with alanine, which is neutral and non-polar, at codon 173 of the PALLD protein (p.Lys173Ala). Information on the frequency of this variant in the gnomAD database is not available, as this variant may be reported differently in the database. This variant has not been reported in the literature in individuals affected with PALLD-related conditions. An algorithm developed to predict the effect of missense changes on protein structure and function (PolyPhen-2) suggests that this variant is likely to be tolerated. In summary, the available evidence is currently insufficient to determine the role of this variant in disease. Therefore, it has been classified as a Variant of Uncertain Significance.